The following is an entry in ClinVar:

NM_177438.3(DICER1):c.1954A>C (p.Lys652Gln)

Gene: DICER1 (dicer 1, ribonuclease III; minus strand). Cytogenetic location: 14q32.13.
Variant type: single nucleotide variant.
Coding change: c.1954A>C on transcript NM_177438.3 (MANE Select); coding-DNA position 1954, A replaced by C.
Protein change: p.Lys652Gln; replaces lysine 652 with glutamine.
Molecular consequence: missense variant. On other transcripts: non-coding transcript variant (6).
Genome position (GRCh38, 1-based): chr14:95,113,178, T>G on the plus strand (A>C on the coding strand, the complement: DICER1 is on the minus strand). VCF-style: chr14-95113178-T-G. GRCh37 (hg19) VCF-style: chr14-95579515-T-G.
Other names: c.1954A>C, p.Lys652Gln (NM_001195573.1, NM_001271282.3, NM_001291628.2 and 12 more transcripts); c.1549A>C, p.Lys517Gln (NM_001395696.1, NM_001395698.1, NM_001395687.1 and 3 more transcripts); c.271A>C, p.Lys91Gln (NM_001395697.1); c.1672A>C, p.Lys558Gln (NM_001395686.1); c.1387A>C, p.Lys463Gln (NM_001395691.1); short protein forms K558Q, K463Q, K517Q, K652Q, K91Q.
Identifiers: ClinVar variation 4826962 (VCV004826962.1).

ClinVar aggregate classification (germline): Uncertain significance (1 of 4 stars; one submission).

Conditions:
Hereditary cancer-predisposing syndrome. Also called: Neoplastic Syndromes, Hereditary; Tumor predisposition; Hereditary Cancer Syndrome; Hereditary neoplastic syndrome. Identifiers: Orphanet 140162, MedGen C0027672, MeSH D009386, MONDO:0015356.

gnomAD v4.1: 1 of 1,613,706 alleles (0.000062%); highest among the groups gnomAD compares: South Asian, 0.0011%; no homozygotes.

Submission:

Ambry Genetics
Classification: Uncertain significance for Hereditary cancer-predisposing syndrome. Last evaluated: 2026-03-02. Review status: criteria provided, single submitter. Criteria: Ambry Variant Classification Scheme 2023. Collection method: clinical testing. Allele origin: germline.
Comment: The p.K652Q variant (also known as c.1954A>C), located in coding exon 11 of the DICER1 gene, results from an A to C substitution at nucleotide position 1954. The lysine at codon 652 is replaced by glutamine, an amino acid with similar properties. This amino acid position is conserved. In addition, this alteration is predicted to be tolerated by in silico analysis. Based on the available evidence, the clinical significance of this variant remains unclear.